The following is an entry in ClinVar:

ClinVar aggregate classification (germline): Likely benign (1 of 4 stars; one submission).

Submission:

CeGaT Center for Human Genetics Tuebingen
Classification: Likely benign. Last evaluated: 2026-04-01. Review status: criteria provided, single submitter. Criteria: CeGaT Center For Human Genetics Tuebingen Variant Classification Criteria Version 2. Collection method: clinical testing. Allele origin: germline. Affected: yes. Observed: 1 variant allele.
Comment: SHANK3: PM2:Supporting, BP4, BP7

NM_001372044.2(SHANK3):c.4281A>T (p.Ala1427=)

Gene: SHANK3 (SH3 and multiple ankyrin repeat domains 3; plus strand). Cytogenetic location: 22q13.33.
Variant type: single nucleotide variant.
Coding change: c.4281A>T on transcript NM_001372044.2 (MANE Select); coding-DNA position 4281, A replaced by T.
Protein change: p.Ala1427=; no amino-acid change (alanine 1427 retained).
Molecular consequence: synonymous variant.
Genome position (GRCh38, 1-based): chr22:50,721,889, A>T. VCF-style: chr22-50721889-A-T. GRCh37 (hg19) VCF-style: chr22-51160317-A-T.
Identifiers: ClinVar variation 4873929 (VCV004873929.2).